The following is an entry in ClinVar:

ClinVar aggregate classification (germline): Uncertain significance (1 of 4 stars; one submission).

Submission:

GeneDx
Classification: Uncertain significance. Last evaluated: 2026-04-10. Review status: criteria provided, single submitter. Criteria: GeneDx Variant Classification Process June 2021. Collection method: clinical testing. Allele origin: germline.
Comment: Not observed at significant frequency in large population cohorts (gnomAD); In silico analysis supports that this missense variant has a deleterious effect on protein structure/function; Has not been previously published as pathogenic or benign to our knowledge

NM_004958.4(MTOR):c.5079C>A (p.His1693Gln)

Gene: MTOR (mechanistic target of rapamycin kinase; minus strand). Cytogenetic location: 1p36.22.
Variant type: single nucleotide variant.
Coding change: c.5079C>A on transcript NM_004958.4 (MANE Select); coding-DNA position 5079, C replaced by A.
Protein change: p.His1693Gln; replaces histidine 1693 with glutamine.
Molecular consequence: missense variant.
Genome position (GRCh38, 1-based): chr1:11,139,355, G>T on the plus strand (C>A on the coding strand, the complement: MTOR is on the minus strand). VCF-style: chr1-11139355-G-T. GRCh37 (hg19) VCF-style: chr1-11199412-G-T.
Other names: c.5079C>A, p.His1693Gln (NM_001386500.1); c.3831C>A, p.His1277Gln (NM_001386501.1); short protein forms H1277Q, H1693Q.
Identifiers: ClinVar variation 5018403 (VCV005018403.1).